The following is an entry in ClinVar:

NM_007327.4(GRIN1):c.1736del (p.Leu579fs)

Gene: GRIN1 (glutamate ionotropic receptor NMDA type subunit 1; plus strand). Cytogenetic location: 9q34.3.
Variant type: Deletion.
Coding change: c.1736del on transcript NM_007327.4 (MANE Select); coding-DNA position 1736, one base deleted (T; older notation c.1736delT).
Protein change: p.Leu579fs; shifts the reading frame from leucine 579.
Molecular consequence: frameshift variant.
Genome position (GRCh38, 1-based): chr9:137,162,275, T deleted. VCF-style (leftmost placement, unchanged base first): chr9-137162274-CT-C. GRCh37 (hg19) VCF-style: chr9-140056726-CT-C.
Other names: c.1736del, p.Leu579fs (NM_000832.7, NM_021569.4); c.1799del, p.Leu600fs (NM_001185090.2, NM_001185091.2); short protein forms L600fs, L579fs.
Identifiers: ClinVar variation 2836372 (VCV002836372.3), dbSNP rs2538637344, ClinGen allele CA2739265233.

ClinVar aggregate classification (germline): Pathogenic (1 of 4 stars; one submission).

Conditions:
Neurodevelopmental disorder with or without hyperkinetic movements and seizures, autosomal dominant. Also called: Intellectual disability, autosomal dominant 8. Identifiers: MedGen C3280282, MONDO:0013655, OMIM 614254.

Submission:

Labcorp Genetics (formerly Invitae), Labcorp
Classification: Pathogenic for Neurodevelopmental disorder with or without hyperkinetic movements and seizures, autosomal dominant. Last evaluated: 2023-02-11. Review status: criteria provided, single submitter. Criteria: Invitae Variant Classification Sherloc (09022015). Collection method: clinical testing. Allele origin: germline.
Comment: This variant is not present in population databases (gnomAD no frequency). For these reasons, this variant has been classified as Pathogenic. This variant has not been reported in the literature in individuals affected with GRIN1-related conditions. This sequence change creates a premature translational stop signal (p.Leu579Argfs*13) in the GRIN1 gene. It is expected to result in an absent or disrupted protein product. Loss-of-function variants in GRIN1 are known to be pathogenic (PMID: 27164704, 35393335).

Literature cited by the submitters: PubMed 27164704; PubMed 35393335.